The following is an entry in ClinVar:

ClinVar aggregate classification (germline): Uncertain significance. Review status: criteria provided, multiple submitters, no conflicts (2 of 4 stars). 3 submissions from 3 submitters: Uncertain significance (3). Last evaluated 2026-01-05.

Conditions:
Inborn genetic diseases. Identifiers: MedGen C0950123, MeSH D030342.
EAST syndrome (SESAMES). Also called: SEIZURES, SENSORINEURAL DEAFNESS, ATAXIA, IMPAIRED INTELLECTUAL DEVELOPMENT, AND ELECTROLYTE IMBALANCE. Identifiers: Orphanet 199343, MedGen C2748572, MONDO:0013005, OMIM 612780.
Autosomal recessive nonsyndromic hearing loss 4 (DFNB4). Also called: FOXI1-Related Pendred Syndrome; KCNJ10-Related Pendred Syndrome; DEAFNESS, AUTOSOMAL RECESSIVE 4, WITH ENLARGED VESTIBULAR AQUEDUCT, DIGENIC; NEUROSENSORY NONSYNDROMIC RECESSIVE DEAFNESS 4; Deafness, autosomal recessive 4, with enlarged vestibular aqueduct; Nonsyndromic enlarged vestibular aqueduct (NSEVA). Identifiers: Orphanet 90636, MedGen C3538946, MONDO:0010933, OMIM 600791.

Allele frequency attached by ClinVar (database versions not stated): gnomAD 0.00001; TOPMed 0.00001; gnomAD exomes 0.00002 and 0.00004; ExAC 0.00004; 1000 Genomes Project 30x 0.00016; 1000 Genomes Project 0.00020.
gnomAD v4.1: 31 of 1,612,868 alleles (0.0019%); highest among the groups gnomAD compares: Admixed American, 0.013%; no homozygotes.

Submissions (3):

Labcorp Genetics (formerly Invitae), Labcorp
Classification: Uncertain significance for EAST syndrome. Last evaluated: 2026-01-05. Review status: criteria provided, single submitter. Criteria: Invitae Variant Classification Sherloc (09022015). Collection method: clinical testing. Allele origin: germline.
Comment: This sequence change replaces arginine, which is basic and polar, with histidine, which is basic and polar, at codon 375 of the KCNJ10 protein (p.Arg375His). This variant is present in population databases (rs189596680, gnomAD 0.02%). This variant has not been reported in the literature in individuals affected with KCNJ10-related conditions. ClinVar contains an entry for this variant (Variation ID: 411157). Invitae Evidence Modeling of protein sequence and biophysical properties (such as structural, functional, and spatial information, amino acid conservation, physicochemical variation, residue mobility, and thermodynamic stability) has been performed for this missense variant. However, the output from this modeling did not meet the statistical confidence thresholds required to predict the impact of this variant on KCNJ10 protein function. In summary, the available evidence is currently insufficient to determine the role of this variant in disease. Therefore, it has been classified as a Variant of Uncertain Significance.

Ambry Genetics
Classification: Uncertain significance for Inborn genetic diseases. Last evaluated: 2024-12-15. Review status: criteria provided, single submitter. Criteria: Ambry Variant Classification Scheme 2023. Collection method: clinical testing. Allele origin: germline.

Fulgent Genetics
Classification: Uncertain significance for Autosomal recessive nonsyndromic hearing loss 4; EAST syndrome. Last evaluated: 2024-01-10. Review status: criteria provided, single submitter. Criteria: ACMG Guidelines, 2015. Collection method: clinical testing. Allele origin: germline.

NM_002241.5(KCNJ10):c.1124G>A (p.Arg375His)

Gene: KCNJ10 (potassium inwardly rectifying channel subfamily J member 10; minus strand). Cytogenetic location: 1q23.2.
Variant type: single nucleotide variant.
Coding change: c.1124G>A on transcript NM_002241.5 (MANE Select); coding-DNA position 1124, G replaced by A.
Protein change: p.Arg375His; replaces arginine 375 with histidine.
Molecular consequence: missense variant.
Genome position (GRCh38, 1-based): chr1:160,041,409, C>T on the plus strand (G>A on the coding strand, the complement: KCNJ10 is on the minus strand). VCF-style: chr1-160041409-C-T. GRCh37 (hg19) VCF-style: chr1-160011199-C-T.
Other names: short protein forms R375H.
Identifiers: ClinVar variation 411157 (VCV000411157.16), dbSNP rs189596680, ClinGen allele CA1193156.
Genomic context (GRCh38, chr1:160,041,409, plus strand): 5'-GAGAGGAAAAGAGACCAGAGGAATGGGGGAGTGGGAACAGGTCATCAGACATTGCTGATG[C>T]GCACACTAAGGGCACTGCCCTCCTTCTCAGCTTGCTCCCTTAATGACTCCTCCAACTTGA-3'
Protein context (NP_002232.2, residues 365-379): AEKEGSALSV[Arg375His]ISNV